The following is an entry in ClinVar:

NM_152703.5(SAMD9L):c.4616G>A (p.Gly1539Glu)

Gene: SAMD9L (sterile alpha motif domain containing 9 like; minus strand). Cytogenetic location: 7q21.2.
Variant type: single nucleotide variant.
Coding change: c.4616G>A on transcript NM_152703.5 (MANE Select); coding-DNA position 4616, G replaced by A.
Protein change: p.Gly1539Glu; replaces glycine 1539 with glutamic acid.
Molecular consequence: missense variant.
Genome position (GRCh38, 1-based): chr7:93,131,356, C>T on the plus strand (G>A on the coding strand, the complement: SAMD9L is on the minus strand). VCF-style: chr7-93131356-C-T. GRCh37 (hg19) VCF-style: chr7-92760669-C-T.
Other names: c.4616G>A, p.Gly1539Glu (NM_001303496.3, NM_001303497.3, NM_001303498.3 and 5 more transcripts); short protein forms G1539E.
Identifiers: ClinVar variation 2657672 (VCV002657672.24), dbSNP rs1562785936, ClinGen allele CA368170550.

ClinVar aggregate classification (germline): Uncertain significance (1 of 4 stars; one submission).

gnomAD v4.1: 1 of 1,613,438 alleles (0.000062%); no homozygotes.

Submission:

CeGaT Center for Human Genetics Tuebingen
Classification: Uncertain significance. Last evaluated: 2022-05-01. Review status: criteria provided, single submitter. Criteria: CeGaT Center For Human Genetics Tuebingen Variant Classification Criteria Version 2. Collection method: clinical testing. Allele origin: germline. Affected: yes. Observed: 1 variant allele.
Comment: SAMD9L: PM2, BP4